The following is an entry in ClinVar:

NM_001018115.3(FANCD2):c.1088C>G (p.Ala363Gly)

Genes: FANCD2 (FA complementation group D2; plus strand), LOC107303338 (3p25 FANCD2 Alu-mediated recombination region; plus strand). Cytogenetic location: 3p25.3.
Variant type: single nucleotide variant.
Coding change: c.1088C>G on transcript NM_001018115.3 (MANE Select); coding-DNA position 1088, C replaced by G.
Protein change: p.Ala363Gly; replaces alanine 363 with glycine.
Molecular consequence: missense variant.
Genome position (GRCh38, 1-based): chr3:10,043,582, C>G. VCF-style: chr3-10043582-C-G. GRCh37 (hg19) VCF-style: chr3-10085266-C-G.
Other names: c.1088C>G, p.Ala363Gly (NM_001319984.2, NM_001374253.1, NM_001374254.1 and 1 more transcripts); short protein forms A363G.
Identifiers: ClinVar variation 2084582 (VCV002084582.1), dbSNP rs1181130778, ClinGen allele CA351730988.

ClinVar aggregate classification (germline): Uncertain significance (1 of 4 stars; one submission).

Conditions:
Fanconi anemia (FA). Also called: Fanconi's anemia. Identifiers: Orphanet 84, MedGen C0015625, MeSH D005199, MONDO:0019391.

gnomAD v4.1: 5 of 1,610,686 alleles (0.00031%); highest among the groups gnomAD compares: Non-Finnish European, 0.00042%; no homozygotes.

Submission:

Labcorp Genetics (formerly Invitae), Labcorp
Classification: Uncertain significance for Fanconi anemia. Last evaluated: 2022-09-03. Review status: criteria provided, single submitter. Criteria: Invitae Variant Classification Sherloc (09022015). Collection method: clinical testing. Allele origin: germline.
Comment: This sequence change replaces alanine, which is neutral and non-polar, with glycine, which is neutral and non-polar, at codon 363 of the FANCD2 protein (p.Ala363Gly). This variant is not present in population databases (gnomAD no frequency). This variant has not been reported in the literature in individuals affected with FANCD2-related conditions. Algorithms developed to predict the effect of missense changes on protein structure and function are either unavailable or do not agree on the potential impact of this missense change (SIFT: "Deleterious"; PolyPhen-2: "Benign"; Align-GVGD: "Class C0"). In summary, the available evidence is currently insufficient to determine the role of this variant in disease. Therefore, it has been classified as a Variant of Uncertain Significance.